The following is an entry in ClinVar:

NM_197968.4(ZMYM2):c.3219G>A (p.Thr1073=)

Gene: ZMYM2 (zinc finger MYM-type containing 2; plus strand). Cytogenetic location: 13q12.11.
Variant type: single nucleotide variant.
Coding change: c.3219G>A on transcript NM_197968.4 (MANE Select); coding-DNA position 3219, G replaced by A.
Protein change: p.Thr1073=; no amino-acid change (threonine 1073 retained).
Molecular consequence: synonymous variant. On other transcripts: non-coding transcript variant (1).
Genome position (GRCh38, 1-based): chr13:20,066,937, G>A. VCF-style: chr13-20066937-G-A. GRCh37 (hg19) VCF-style: chr13-20641077-G-A.
Other names: c.3219G>A, p.Thr1073= (NM_001190964.4, NM_001190965.4, NM_001353157.2 and 5 more transcripts); c.3024G>A, p.Thr1008= (NM_001353161.3); c.2958G>A, p.Thr986= (NM_001353163.2).
Identifiers: ClinVar variation 3033922 (VCV003033922.2), dbSNP rs202171881, ClinGen allele CA6903796.

ClinVar aggregate classification (germline): Likely benign (0 of 4 stars; one submission).

Conditions:
ZMYM2-related disorder. Also called: ZMYM2-related condition.

Allele frequency attached by ClinVar (database versions not stated): ExAC 0.00016; 1000 Genomes Project 30x 0.00031; gnomAD 0.00036; 1000 Genomes Project 0.00040; ESP Exome Variant Server 0.00042; TOPMed 0.00044.
gnomAD v4.1: 130 of 1,613,440 alleles (0.0081%); highest among the groups gnomAD compares: African/African-American, 0.14%; no homozygotes.

Submission:

PreventionGenetics, part of Exact Sciences
Classification: Likely benign for ZMYM2-related condition. Last evaluated: 2019-06-17. Review status: no assertion criteria provided. Collection method: clinical testing. Allele origin: germline.
Comment: This variant is classified as likely benign based on ACMG/AMP sequence variant interpretation guidelines (Richards et al. 2015 PMID: 25741868, with internal and published modifications).